The following is an entry in ClinVar:

NM_001122630.2(CDKN1C):c.314G>A (p.Ser105Asn)

Gene: CDKN1C (cyclin dependent kinase inhibitor 1C; minus strand). Cytogenetic location: 11p15.4.
Variant type: single nucleotide variant.
Coding change: c.314G>A on transcript NM_001122630.2 (MANE Select); coding-DNA position 314, G replaced by A.
Protein change: p.Ser105Asn; replaces serine 105 with asparagine.
Molecular consequence: missense variant. On other transcripts: intron variant (1).
Genome position (GRCh38, 1-based): chr11:2,885,143, C>T on the plus strand (G>A on the coding strand, the complement: CDKN1C is on the minus strand). VCF-style: chr11-2885143-C-T. GRCh37 (hg19) VCF-style: chr11-2906373-C-T.
Other names: c.347G>A, p.Ser116Asn (NM_000076.2, NM_001362474.2); c.314G>A, p.Ser105Asn (NM_001122631.2); c.255+59G>A (NM_001362475.2); short protein forms S105N, S116N.
Identifiers: ClinVar variation 1386882 (VCV001386882.6), dbSNP rs1197769841, ClinGen allele CA379146886.

ClinVar aggregate classification (germline): Uncertain significance (1 of 4 stars; one submission).

Conditions:
Beckwith-Wiedemann syndrome (BWS). Also called: Exomphalos macroglossia gigantism syndrome; EMG SYNDROME. Identifiers: Orphanet 116, MedGen C0004903, MONDO:0007534, OMIM 130650.

Allele frequency attached by ClinVar (database versions not stated): gnomAD exomes 0.00001.
gnomAD v4.1: 1 of 1,512,900 alleles (0.000066%); highest among the groups gnomAD compares: South Asian, 0.0012%; no homozygotes.

Submission:

Labcorp Genetics (formerly Invitae), Labcorp
Classification: Uncertain significance for Beckwith-Wiedemann syndrome. Last evaluated: 2021-10-14. Review status: criteria provided, single submitter. Criteria: Invitae Variant Classification Sherloc (09022015). Collection method: clinical testing. Allele origin: germline.
Comment: In summary, the available evidence is currently insufficient to determine the role of this variant in disease. Therefore, it has been classified as a Variant of Uncertain Significance. Algorithms developed to predict the effect of missense changes on protein structure and function output the following: SIFT: "Tolerated"; PolyPhen-2: "Benign"; Align-GVGD: "Class C0". The asparagine amino acid residue is found in multiple mammalian species, which suggests that this missense change does not adversely affect protein function. This variant has not been reported in the literature in individuals affected with CDKN1C-related conditions. The frequency data for this variant in the population databases is considered unreliable, as metrics indicate insufficient coverage at this position in the ExAC database. This sequence change replaces serine with asparagine at codon 116 of the CDKN1C protein (p.Ser116Asn). The serine residue is moderately conserved and there is a small physicochemical difference between serine and asparagine.